The following is an entry in ClinVar:

ClinVar aggregate classification (germline): Uncertain significance (1 of 4 stars; one submission).

Conditions:
Inborn genetic diseases. Identifiers: MedGen C0950123, MeSH D030342.

Submission:

Ambry Genetics
Classification: Uncertain significance for Inborn genetic diseases. Last evaluated: 2026-09-14. Review status: criteria provided, single submitter. Criteria: Ambry Variant Classification Scheme 2023. Collection method: clinical testing. Allele origin: germline.
Comment: The p.F342L variant (also known as c.1024T>C), located in coding exon 1 of the SAMD9L gene, results from a T to C substitution at nucleotide position 1024. The phenylalanine at codon 342 is replaced by leucine, an amino acid with highly similar properties. This amino acid position is conserved. In addition, this alteration is predicted to be tolerated by in silico analysis. Based on the available evidence, the clinical significance of this variant remains unclear.

NM_152703.5(SAMD9L):c.1024T>C (p.Phe342Leu)

Gene: SAMD9L (sterile alpha motif domain containing 9 like; minus strand). Cytogenetic location: 7q21.2.
Variant type: single nucleotide variant.
Coding change: c.1024T>C on transcript NM_152703.5 (MANE Select); coding-DNA position 1024, T replaced by C.
Protein change: p.Phe342Leu; replaces phenylalanine 342 with leucine.
Molecular consequence: missense variant.
Genome position (GRCh38, 1-based): chr7:93,134,948, A>G on the plus strand (T>C on the coding strand, the complement: SAMD9L is on the minus strand). VCF-style: chr7-93134948-A-G. GRCh37 (hg19) VCF-style: chr7-92764261-A-G.
Other names: c.1024T>C, p.Phe342Leu (NM_001303496.3, NM_001303497.3, NM_001303498.3 and 5 more transcripts); short protein forms F342L.
Identifiers: ClinVar variation 5028998 (VCV005028998.1).